The following is an entry in ClinVar:

NM_001042492.3(NF1):c.3094dup (p.Cys1032fs)

Gene: NF1 (neurofibromin 1; plus strand). Cytogenetic location: 17q11.2.
Variant type: Duplication.
Coding change: c.3094dup on transcript NM_001042492.3 (MANE Select); coding-DNA position 3094, one base duplicated (T; older notation c.3094dupT).
Protein change: p.Cys1032fs; shifts the reading frame from cysteine 1032.
Molecular consequence: frameshift variant.
Genome position (GRCh38, 1-based): chr17:31,230,363, T duplicated; the last of 4 consecutive T bases (chr17:31,230,360-31,230,363); duplicating any one gives the same sequence. VCF-style (leftmost placement, unchanged base first): chr17-31230359-A-AT. GRCh37 (hg19) VCF-style: chr17-29557377-A-AT.
Other names: c.3094dupT (NM_000267.3); c.3094dup, p.Cys1032Leufs (NM_000267.4); short protein forms C1032fs.
Identifiers: ClinVar variation 527429 (VCV000527429.5), dbSNP rs1555614535, ClinGen allele CA658798760.

ClinVar aggregate classification (germline): Pathogenic (1 of 4 stars; one submission).

Conditions:
Neurofibromatosis, type 1 (NF1). Also called: VON RECKLINGHAUSEN DISEASE; NEUROFIBROMATOSIS, TYPE I, SOMATIC; Peripheral type neurofibromatosis; Neurofibromatosis, type I. Identifiers: Orphanet 636, MedGen C0027831, MONDO:0018975, OMIM 162200. Disease mechanism: loss of function.

Submission:

Labcorp Genetics (formerly Invitae), Labcorp
Classification: Pathogenic for Neurofibromatosis, type 1. Last evaluated: 2017-10-18. Review status: criteria provided, single submitter. Criteria: Invitae Variant Classification Sherloc (09022015). Collection method: clinical testing. Allele origin: germline.
Comment: This variant has not been reported in the literature in individuals with NF1-related disease. This variant is not present in population databases (ExAC no frequency). This sequence change creates a premature translational stop signal (p.Cys1032Leufs*7) in the NF1 gene. It is expected to result in an absent or disrupted protein product. For these reasons, this variant has been classified as Pathogenic. Loss-of-function variants in NF1 are known to be pathogenic (PMID: 10712197, 23913538).

Literature cited by the submitters: PubMed 10712197; PubMed 23913538.